The following is an entry in ClinVar:

ClinVar aggregate classification (germline): Likely pathogenic (1 of 4 stars; one submission).

Conditions:
Severe myoclonic epilepsy in infancy (DRVT). Also called: SEVERE MYOCLONIC EPILEPSY OF INFANCY; Dravet syndrome; Epileptic encephalopathy, early infantile, 6 (Dravet syndrome); DEVELOPMENTAL AND EPILEPTIC ENCEPHALOPATHY 6A; Severe Myoclonic Epilepsy in Infancy (SMEI). Identifiers: Orphanet 33069, MedGen C0751122, MONDO:0100135, OMIM 607208.

Submission:

Institute of Human Genetics, University of Leipzig Medical Center
Classification: Likely pathogenic for Severe myoclonic epilepsy in infancy. Last evaluated: 2024-01-25. Review status: criteria provided, single submitter. Criteria: ACMG Guidelines, 2015. Collection method: clinical testing. Allele origin: de novo. Inheritance: Autosomal dominant inheritance. Affected: yes.
Comment: Criteria applied: PS2_MOD,PM5,PS4_SUP,PM2,PP2,PP3

NM_001165963.4(SCN1A):c.173G>T (p.Gly58Val)

Gene: SCN1A (sodium voltage-gated channel alpha subunit 1; minus strand). Cytogenetic location: 2q24.3.
Variant type: single nucleotide variant.
Coding change: c.173G>T on transcript NM_001165963.4 (MANE Select); coding-DNA position 173, G replaced by T.
Protein change: p.Gly58Val; replaces glycine 58 with valine.
Molecular consequence: missense variant. On other transcripts: 5 prime UTR variant (1), non-coding transcript variant (1).
Genome position (GRCh38, 1-based): chr2:166,073,449, C>A on the plus strand (G>T on the coding strand, the complement: SCN1A is on the minus strand). VCF-style: chr2-166073449-C-A. GRCh37 (hg19) VCF-style: chr2-166929959-C-A.
Other names: c.173G>T, p.Gly58Val (NM_001353948.2, NM_001353951.2, NM_001353949.2 and 10 more transcripts); c.-2253G>T (NM_001353961.2); short protein forms G58V.
Identifiers: ClinVar variation 2692373 (VCV002692373.3), dbSNP rs2468365428, ClinGen allele CA349242938.